The following is an entry in ClinVar:

ClinVar aggregate classification (germline): Benign/Likely benign. Review status: criteria provided, multiple submitters, no conflicts (2 of 4 stars). 7 submissions from 4 submitters: Benign (5); Likely benign (2). Last evaluated 2026-01-13.

Conditions:
Autosomal recessive limb-girdle muscular dystrophy type 2J (LGMDR10). Also called: MUSCULAR DYSTROPHY, LIMB-GIRDLE, AUTOSOMAL RECESSIVE 10; Limb-girdle muscular dystrophy, type 2J. Identifiers: Orphanet 140922, MedGen C1837342, MONDO:0012127, OMIM 608807.
Dilated cardiomyopathy 1G (CMD1G). Identifiers: Orphanet 154, MedGen C1858763, MONDO:0011400, OMIM 604145.
Myopathy, myofibrillar, 9, with early respiratory failure (MFM9). Also called: Myopathy, distal, with early respiratory failure, autosomal dominant; Hereditary myopathy with early respiratory failure; EDSTROM MYOPATHY; MYOPATHY, PROXIMAL, WITH EARLY RESPIRATORY MUSCLE INVOLVEMENT. Identifiers: Orphanet 178464, Orphanet 34521, MedGen C1863599, MONDO:0011362, OMIM 603689.
Tibial muscular dystrophy (TMD). Also called: UDD MYOPATHY; Tibial muscular dystrophy, tardive; Udd Distal Myopathy – Tibial Muscular Dystrophy. Identifiers: Orphanet 609, MedGen C1838244, MONDO:0010870, OMIM 600334.
Early-onset myopathy with fatal cardiomyopathy (CMYO5). Also called: Salih Myopathy; CONGENITAL MYOPATHY 5 WITH CARDIOMYOPATHY. Identifiers: Orphanet 289377, MedGen C2673677, MONDO:0012714, OMIM 611705. Disease mechanism: loss of function.

Allele frequency attached by ClinVar (database versions not stated): gnomAD below 0.00001 and 0.00014; TOPMed 0.00001; gnomAD exomes 0.00014 and 0.00036; ExAC 0.00044; 1000 Genomes Project 0.00060; 1000 Genomes Project 30x 0.00062.
gnomAD v4.1: 236 of 1,611,278 alleles (0.015%); highest among the groups gnomAD compares: South Asian, 0.24%; 4 homozygotes.

Submissions (7):

Labcorp Genetics (formerly Invitae), Labcorp
Classification: Likely benign for Dilated cardiomyopathy 1G; Autosomal recessive limb-girdle muscular dystrophy type 2J. Last evaluated: 2026-01-13. Review status: criteria provided, single submitter. Criteria: Invitae Variant Classification Sherloc (09022015). Collection method: clinical testing. Allele origin: germline.

Genome-Nilou Lab
Classification: Benign for Autosomal recessive limb-girdle muscular dystrophy type 2J. Last evaluated: 2021-09-10. Review status: criteria provided, single submitter. Criteria: ACMG Guidelines, 2015. Collection method: clinical testing. Allele origin: germline. Affected: no.

Genome-Nilou Lab
Classification: Benign for Myopathy, myofibrillar, 9, with early respiratory failure. Last evaluated: 2021-09-10. Review status: criteria provided, single submitter. Criteria: ACMG Guidelines, 2015. Collection method: clinical testing. Allele origin: germline. Affected: no.

Genome-Nilou Lab
Classification: Benign for Early-onset myopathy with fatal cardiomyopathy. Last evaluated: 2021-09-10. Review status: criteria provided, single submitter. Criteria: ACMG Guidelines, 2015. Collection method: clinical testing. Allele origin: germline. Affected: no.

Genome-Nilou Lab
Classification: Benign for Tibial muscular dystrophy. Last evaluated: 2021-09-10. Review status: criteria provided, single submitter. Criteria: ACMG Guidelines, 2015. Collection method: clinical testing. Allele origin: germline. Affected: no.

GeneDx
Classification: Benign. Last evaluated: 2020-03-27. Review status: criteria provided, single submitter. Criteria: GeneDx Variant Classification (06012015). Collection method: clinical testing. Allele origin: germline. Affected: yes.
Comment: This variant is considered likely benign or benign based on one or more of the following criteria: it is a conservative change, it occurs at a poorly conserved position in the protein, it is predicted to be benign by multiple in silico algorithms, and/or has population frequency not consistent with disease.

Breakthrough Genomics
Classification: Likely benign. Review status: criteria provided, single submitter. Criteria: ACMG Guidelines, 2015. Collection method: not provided. Allele origin: germline. Inheritance: Autosomal recessive inheritance. Affected: yes.

NM_001267550.2(TTN):c.46142T>C (p.Val15381Ala)

Gene: TTN (titin; minus strand). Cytogenetic location: 2q31.2.
Variant type: single nucleotide variant.
Coding change: c.46142T>C on transcript NM_001267550.2 (MANE Select); coding-DNA position 46142, T replaced by C.
Protein change: p.Val15381Ala; replaces valine 15381 with alanine.
Molecular consequence: missense variant.
Genome position (GRCh38, 1-based): chr2:178,620,379, A>G on the plus strand (T>C on the coding strand, the complement: TTN is on the minus strand). VCF-style: chr2-178620379-A-G. GRCh37 (hg19) VCF-style: chr2-179485106-A-G.
Other names: c.41219T>C, p.Val13740Ala (NM_001256850.1); c.18947T>C, p.Val6316Ala (NM_003319.4); c.38438T>C, p.Val12813Ala (NM_133378.4); c.19322T>C, p.Val6441Ala (NM_133432.3); c.19523T>C, p.Val6508Ala (NM_133437.4); short protein forms V15381A, V12813A, V6316A, V13740A, V6441A, V6508A.
Identifiers: ClinVar variation 413058 (VCV000413058.16), dbSNP rs369269320, ClinGen allele CA1995300.
Genomic context (GRCh38, chr2:178,620,379, plus strand): 5'-GTCTGATCTTCCAAGTGTTCCACAAATTCTGTCGGGGCTTCTATGATGAGAAGCTCAGCA[A>G]CAGATTTATCTTGTCCAGCAGTGACAATGTATTCACCTTCATCTGGGAAGCCACAGTCTT-3'
Protein context (NP_001254479.2, residues 15371-15391): YIVTAGQDKS[Val15381Ala]AELLIIEAPT